The following is an entry in ClinVar:

ClinVar aggregate classification (germline): Uncertain significance (1 of 4 stars; one submission).

gnomAD v4.1: 5 of 1,613,872 alleles (0.00031%); highest among the groups gnomAD compares: Non-Finnish European, 0.00034%; no homozygotes.

Submission:

GeneDx
Classification: Uncertain significance. Last evaluated: 2026-03-16. Review status: criteria provided, single submitter. Criteria: GeneDx Variant Classification Process June 2021. Collection method: clinical testing. Allele origin: germline.
Comment: Not observed at significant frequency in large population cohorts (gnomAD); In silico analysis supports that this missense variant has a deleterious effect on protein structure/function; Has not been previously published as pathogenic or benign to our knowledge

NM_021072.4(HCN1):c.2543G>A (p.Gly848Glu)

Gene: HCN1 (hyperpolarization activated cyclic nucleotide gated potassium channel 1; minus strand). Cytogenetic location: 5p12.
Variant type: single nucleotide variant.
Coding change: c.2543G>A on transcript NM_021072.4 (MANE Select); coding-DNA position 2543, G replaced by A.
Protein change: p.Gly848Glu; replaces glycine 848 with glutamic acid.
Molecular consequence: missense variant.
Genome position (GRCh38, 1-based): chr5:45,262,051, C>T on the plus strand (G>A on the coding strand, the complement: HCN1 is on the minus strand). VCF-style: chr5-45262051-C-T. GRCh37 (hg19) VCF-style: chr5-45262153-C-T.
Other names: short protein forms G848E.
Identifiers: ClinVar variation 5009299 (VCV005009299.1).